The following is an entry in ClinVar:

NM_001889.4(CRYZ):c.615C>T (p.Tyr205=)

Gene: CRYZ (crystallin zeta; minus strand). Cytogenetic location: 1p31.1.
Variant type: single nucleotide variant.
Coding change: c.615C>T on transcript NM_001889.4 (MANE Select); coding-DNA position 615, C replaced by T.
Protein change: p.Tyr205=; no amino-acid change (tyrosine 205 retained).
Molecular consequence: synonymous variant.
Genome position (GRCh38, 1-based): chr1:74,710,113, G>A on the plus strand (C>T on the coding strand, the complement: CRYZ is on the minus strand). VCF-style: chr1-74710113-G-A. GRCh37 (hg19) VCF-style: chr1-75175797-G-A.
Other names: c.615C>T, p.Tyr205= (NM_001130042.2, NM_001130043.2); c.204C>T, p.Tyr68= (NM_001134759.2).
Identifiers: ClinVar variation 3037236 (VCV003037236.2), dbSNP rs57413593, ClinGen allele CA911297.

ClinVar aggregate classification (germline): Benign (0 of 4 stars; one submission).

Conditions:
CRYZ-related disorder. Also called: CRYZ-related condition.

Allele frequency attached by ClinVar (database versions not stated): gnomAD exomes 0.00491; ExAC 0.01538; gnomAD 0.04581; TOPMed 0.05100; ESP Exome Variant Server 0.05251; 1000 Genomes Project 0.05292; 1000 Genomes Project 30x 0.05621.
gnomAD v4.1: 14,500 of 1,612,774 alleles (0.9%); highest among the groups gnomAD compares: African/African-American, 15%; 924 homozygotes.

Submission:

PreventionGenetics, part of Exact Sciences
Classification: Benign for CRYZ-related condition. Last evaluated: 2019-11-06. Review status: no assertion criteria provided. Collection method: clinical testing. Allele origin: germline.
Comment: This variant is classified as benign based on ACMG/AMP sequence variant interpretation guidelines (Richards et al. 2015 PMID: 25741868, with internal and published modifications).